The following is an entry in ClinVar:

ClinVar aggregate classification (germline): Uncertain significance. Review status: criteria provided, single submitter (1 of 4 stars). 2 submissions from 2 submitters: Uncertain significance (1). 1 of the submissions does not count toward it. Last evaluated 2023-08-07.

Conditions:
Duchenne muscular dystrophy (DMD). Also called: Duchenne Muscular Dystrophy (DMD); MUSCULAR DYSTROPHY, PSEUDOHYPERTROPHIC PROGRESSIVE, DUCHENNE TYPE. Identifiers: Orphanet 98896, MedGen C0013264, MONDO:0010679, OMIM 310200.
Dystrophin deficiency.
Becker muscular dystrophy (BMD). Also called: MUSCULAR DYSTROPHY, PSEUDOHYPERTROPHIC PROGRESSIVE, BECKER TYPE; Becker Muscular Dystrophy (BMD). Identifiers: Orphanet 98895, MedGen C0917713, MONDO:0010311, OMIM 300376.
Cardiomyopathy (CMYO). Also called: Cardiomyopathies. Identifiers: Orphanet 167848, MedGen C0878544, MONDO:0004994, HP:0001638. Inheritance: Various modes of inheritance.

Allele frequency attached by ClinVar (database versions not stated): gnomAD 0.00001; gnomAD exomes below 0.00001; TOPMed below 0.00001.
gnomAD v4.1: 3 of 1,208,528 alleles (0.00025%); highest among the groups gnomAD compares: Non-Finnish European, 0.00034%; no homozygotes.

Submissions (2):

Labcorp Genetics (formerly Invitae), Labcorp
Classification: Uncertain significance for Duchenne muscular dystrophy. Last evaluated: 2023-08-07. Review status: criteria provided, single submitter. Criteria: Invitae Variant Classification Sherloc (09022015). Collection method: clinical testing. Allele origin: germline.
Comment: This sequence change replaces lysine, which is basic and polar, with arginine, which is basic and polar, at codon 2058 of the DMD protein (p.Lys2058Arg). This variant is not present in population databases (gnomAD no frequency). This variant has not been reported in the literature in individuals affected with DMD-related conditions. ClinVar contains an entry for this variant (Variation ID: 846177). Advanced modeling of protein sequence and biophysical properties (such as structural, functional, and spatial information, amino acid conservation, physicochemical variation, residue mobility, and thermodynamic stability) performed at Invitae indicates that this missense variant is not expected to disrupt DMD protein function. In summary, the available evidence is currently insufficient to determine the role of this variant in disease. Therefore, it has been classified as a Variant of Uncertain Significance.

Natera, Inc.
Classification: Uncertain significance for Becker muscular dystrophy; Cardiomyopathy; Duchenne muscular dystrophy; Dystrophin deficiency. Last evaluated: 2019-09-23. Review status: no assertion criteria provided. Collection method: clinical testing. Allele origin: germline. Not counted in ClinVar's aggregate classification.

NM_004006.3(DMD):c.6173A>G (p.Lys2058Arg)

Gene: DMD (dystrophin; minus strand). Cytogenetic location: Xp21.1.
Variant type: single nucleotide variant.
Coding change: c.6173A>G on transcript NM_004006.3 (MANE Select); coding-DNA position 6173, A replaced by G.
Protein change: p.Lys2058Arg; replaces lysine 2058 with arginine.
Molecular consequence: missense variant.
Genome position (GRCh38, 1-based): chrX:32,287,646, T>C on the plus strand (A>G on the coding strand, the complement: DMD is on the minus strand). VCF-style: chrX-32287646-T-C. GRCh37 (hg19) VCF-style: chrX-32305763-T-C.
Other names: c.6149A>G, p.Lys2050Arg (NM_000109.4); c.6161A>G, p.Lys2054Arg (NM_004009.3); c.5804A>G, p.Lys1935Arg (NM_004010.3); c.2150A>G, p.Lys717Arg (NM_004011.4); c.2141A>G, p.Lys714Arg (NM_004012.4); short protein forms K1935R, K2058R, K717R, K2050R, K2054R, K714R.
Identifiers: ClinVar variation 846177 (VCV000846177.10), dbSNP rs1326979286, ClinGen allele CA412666281.
Genomic context (GRCh38, chrX:32,287,646, plus strand): 5'-AGAGCTTCCTGTAGCTTCACCCTTTCCACAGGCGTTGCACTTTGCAATGCTGCTGTCTTC[T>C]TGCTATGAATAATGTCAATCCGACCTGAGCTTTGTTGTAGACTATCTTTTATATTCTGTA-3'
Protein context (NP_003997.2, residues 2048-2068): SSGRIDIIHS[Lys2058Arg]KTAALQSATP